The following is an entry in ClinVar:

ClinVar aggregate classification (germline): Uncertain significance (1 of 4 stars; one submission).

Conditions:
Inborn genetic diseases. Identifiers: MedGen C0950123, MeSH D030342.

gnomAD v4.1: 1 of 1,613,934 alleles (0.000062%); no homozygotes.

Submission:

Ambry Genetics
Classification: Uncertain significance for Inborn genetic diseases. Last evaluated: 2025-09-16. Review status: criteria provided, single submitter. Criteria: Ambry Variant Classification Scheme 2023. Collection method: clinical testing. Allele origin: germline.
Comment: The p.A1472E variant (also known as c.4415C>A), located in coding exon 1 of the SAMD9L gene, results from a C to A substitution at nucleotide position 4415. The alanine at codon 1472 is replaced by glutamic acid, an amino acid with dissimilar properties. This amino acid position is conserved. In addition, this alteration is predicted to be tolerated by in silico analysis. Based on the available evidence, the clinical significance of this variant remains unclear.

NM_152703.5(SAMD9L):c.4415C>A (p.Ala1472Glu)

Gene: SAMD9L (sterile alpha motif domain containing 9 like; minus strand). Cytogenetic location: 7q21.2.
Variant type: single nucleotide variant.
Coding change: c.4415C>A on transcript NM_152703.5 (MANE Select); coding-DNA position 4415, C replaced by A.
Protein change: p.Ala1472Glu; replaces alanine 1472 with glutamic acid.
Molecular consequence: missense variant.
Genome position (GRCh38, 1-based): chr7:93,131,557, G>T on the plus strand (C>A on the coding strand, the complement: SAMD9L is on the minus strand). VCF-style: chr7-93131557-G-T. GRCh37 (hg19) VCF-style: chr7-92760870-G-T.
Other names: c.4415C>A, p.Ala1472Glu (NM_001303496.3, NM_001303497.3, NM_001303498.3 and 5 more transcripts); short protein forms A1472E.
Identifiers: ClinVar variation 4630000 (VCV004630000.1).
Genomic context (GRCh38, chr7:93,131,557, plus strand): 5'-TTGGCCTTGTGAACAATACTGTTTAGACCCTTCCTTTTGCCCAGATAGAAAAGTGTGCTT[G>T]CCTGCTTGGACCTGCACATGCGCTTGTACTGTCCCCTGAAGGATCTATTTAAGGATGAAA-3'
Protein context (NP_689916.2, residues 1462-1482): QYKRMCRSKQ[Ala1472Glu]STLFYLGKRK